The following is an entry in ClinVar:

ClinVar aggregate classification (germline): Benign/Likely benign. Review status: criteria provided, multiple submitters, no conflicts (2 of 4 stars). 9 submissions from 9 submitters: Benign (5); Likely benign (2). 2 of the submissions do not count toward it. Last evaluated 2026-07-01.

Allele frequency attached by ClinVar (database versions not stated): 1000 Genomes Project 0.00080; 1000 Genomes Project 30x 0.00094; ExAC 0.00515; gnomAD exomes 0.00570; gnomAD 0.00691 and 0.00733; TOPMed 0.00742.

Submissions (9):

CeGaT Center for Human Genetics Tuebingen
Classification: Benign. Last evaluated: 2026-07-01. Review status: criteria provided, single submitter. Criteria: CeGaT Center For Human Genetics Tuebingen Variant Classification Criteria Version 2. Collection method: clinical testing. Allele origin: germline. Affected: yes. Observed: 37 variant alleles.
Comment: MAGEL2: BS1, BS2

Labcorp Genetics (formerly Invitae), Labcorp
Classification: Benign. Last evaluated: 2026-01-28. Review status: criteria provided, single submitter. Criteria: Invitae Variant Classification Sherloc (09022015). Collection method: clinical testing. Allele origin: germline.

Blueprint Genetics
Classification: Benign. Last evaluated: 2024-11-27. Review status: criteria provided, single submitter. Criteria: ACMG Guidelines, 2015. Collection method: clinical testing. Allele origin: germline.

Genetic Services Laboratory, University of Chicago
Classification: Benign. Last evaluated: 2017-12-13. Review status: criteria provided, single submitter. Criteria: ACMG Guidelines, 2015. Collection method: clinical testing. Allele origin: germline. Affected: no.

Center for Pediatric Genomic Medicine, Children's Mercy Hospital and Clinics
Classification: Benign. Last evaluated: 2016-05-19. Review status: criteria provided, single submitter. Criteria: ACMG Guidelines, 2015. Collection method: clinical testing. Allele origin: germline.

Eurofins Ntd Llc (ga)
Classification: Likely benign. Last evaluated: 2015-07-29. Review status: criteria provided, single submitter. Criteria: EGL Classification Definitions 2015. Collection method: clinical testing. Allele origin: germline. Observed: 2 variant alleles, 2 heterozygotes.

Breakthrough Genomics
Classification: Likely benign. Review status: criteria provided, single submitter. Criteria: ACMG Guidelines, 2015. Collection method: not provided. Allele origin: germline. Inheritance: Autosomal dominant inheritance. Affected: yes.

Genome Diagnostics Laboratory, University Medical Center Utrecht
Classification: Benign. Review status: no assertion criteria provided. Collection method: clinical testing. Allele origin: germline. Affected: yes. Study: VKGL Data-share Consensus. Not counted in ClinVar's aggregate classification.

Laboratory of Diagnostic Genome Analysis, Leiden University Medical Center (LUMC)
Classification: Likely benign. Review status: no assertion criteria provided. Collection method: clinical testing. Allele origin: germline. Affected: yes. Study: VKGL Data-share Consensus. Not counted in ClinVar's aggregate classification.

NM_019066.5(MAGEL2):c.1079C>T (p.Ala360Val)

Gene: MAGEL2 (MAGE family member L2; minus strand). Cytogenetic location: 15q11.2.
Variant type: single nucleotide variant.
Coding change: c.1079C>T on transcript NM_019066.5 (MANE Select); coding-DNA position 1079, C replaced by T.
Protein change: p.Ala360Val; replaces alanine 360 with valine.
Molecular consequence: missense variant.
Genome position (GRCh38, 1-based): chr15:23,646,664, G>A on the plus strand (C>T on the coding strand, the complement: MAGEL2 is on the minus strand). VCF-style: chr15-23646664-G-A. GRCh37 (hg19) VCF-style: chr15-23891811-G-A.
Other names: short protein forms A360V.
Identifiers: ClinVar variation 193398 (VCV000193398.52), dbSNP rs111759069, ClinGen allele CA238915.